The following is an entry in ClinVar:

NM_000836.4(GRIN2D):c.3052G>A (p.Glu1018Lys)

Gene: GRIN2D (glutamate ionotropic receptor NMDA type subunit 2D; plus strand). Cytogenetic location: 19q13.33.
Variant type: single nucleotide variant.
Coding change: c.3052G>A on transcript NM_000836.4 (MANE Select); coding-DNA position 3052, G replaced by A.
Protein change: p.Glu1018Lys; replaces glutamic acid 1018 with lysine.
Molecular consequence: missense variant.
Genome position (GRCh38, 1-based): chr19:48,442,978, G>A. VCF-style: chr19-48442978-G-A. GRCh37 (hg19) VCF-style: chr19-48946235-G-A.
Other names: short protein forms E1018K.
Identifiers: ClinVar variation 1513831 (VCV001513831.8), dbSNP rs1971319972, ClinGen allele CA406674781.
Genomic context (GRCh38, chr19:48,442,978, plus strand): 5'-CAGCCCCCGCAGAAGCCGCCGCCCTCCTATTTCGCCATCGTACGCGACAAGGAGCCAGCC[G>A]AGCCCCCCGCCGGCGCCTTCCCCGGCTTCCCGTCGCCGCCCGCGCCCCCCGCCGCCGCGG-3'
Protein context (NP_000827.2, residues 1008-1028): FAIVRDKEPA[Glu1018Lys]PPAGAFPGFP

ClinVar aggregate classification (germline): Uncertain significance (1 of 4 stars; one submission).

Allele frequency attached by ClinVar (database versions not stated): gnomAD exomes below 0.00001.
gnomAD v4.1: 4 of 1,119,444 alleles (0.00036%); highest among the groups gnomAD compares: South Asian, 0.0028%; no homozygotes.

Submission:

Labcorp Genetics (formerly Invitae), Labcorp
Classification: Uncertain significance. Last evaluated: 2024-05-15. Review status: criteria provided, single submitter. Criteria: Invitae Variant Classification Sherloc (09022015). Collection method: clinical testing. Allele origin: germline.
Comment: This sequence change replaces glutamic acid, which is acidic and polar, with lysine, which is basic and polar, at codon 1018 of the GRIN2D protein (p.Glu1018Lys). This variant is not present in population databases (gnomAD no frequency). This variant has not been reported in the literature in individuals affected with GRIN2D-related conditions. ClinVar contains an entry for this variant (Variation ID: 1513831). Advanced modeling of protein sequence and biophysical properties (such as structural, functional, and spatial information, amino acid conservation, physicochemical variation, residue mobility, and thermodynamic stability) performed at Invitae indicates that this missense variant is not expected to disrupt GRIN2D protein function with a negative predictive value of 95%. In summary, the available evidence is currently insufficient to determine the role of this variant in disease. Therefore, it has been classified as a Variant of Uncertain Significance.